The following is an entry in ClinVar:

NM_000032.5(ALAS2):c.888A>G (p.Gly296=)

Gene: ALAS2 (5'-aminolevulinate synthase 2; minus strand). Cytogenetic location: Xp11.21.
Variant type: single nucleotide variant.
Coding change: c.888A>G on transcript NM_000032.5 (MANE Select); coding-DNA position 888, A replaced by G.
Protein change: p.Gly296=; no amino-acid change (glycine 296 retained).
Molecular consequence: synonymous variant.
Genome position (GRCh38, 1-based): chrX:55,017,601, T>C on the plus strand (A>G on the coding strand, the complement: ALAS2 is on the minus strand). VCF-style: chrX-55017601-T-C. GRCh37 (hg19) VCF-style: chrX-55044034-T-C.
Other names: c.777A>G, p.Gly259= (NM_001037967.4); c.849A>G, p.Gly283= (NM_001037968.4).
Identifiers: ClinVar variation 681929 (VCV000681929.4), dbSNP rs989208419, ClinGen allele CA328972124.

ClinVar aggregate classification (germline): Likely benign. Review status: criteria provided, multiple submitters, no conflicts (2 of 4 stars). 2 submissions from 2 submitters: Likely benign (2). Last evaluated 2023-09-08.

Allele frequency attached by ClinVar (database versions not stated): gnomAD exomes 0.00001; TOPMed 0.00002; gnomAD 0.00004.
gnomAD v4.1: 20 of 1,209,789 alleles (0.0017%); highest among the groups gnomAD compares: Non-Finnish European, 0.0021%; no homozygotes.

Submissions (2):

Labcorp Genetics (formerly Invitae), Labcorp
Classification: Likely benign. Last evaluated: 2023-09-08. Review status: criteria provided, single submitter. Criteria: Invitae Variant Classification Sherloc (09022015). Collection method: clinical testing. Allele origin: germline.

GeneDx
Classification: Likely benign. Last evaluated: 2018-04-26. Review status: criteria provided, single submitter. Criteria: GeneDx Variant Classification (06012015). Collection method: clinical testing. Allele origin: germline. Affected: yes.
Comment: This variant is considered likely benign or benign based on one or more of the following criteria: it is a conservative change, it occurs at a poorly conserved position in the protein, it is predicted to be benign by multiple in silico algorithms, and/or has population frequency not consistent with disease.